The following is an entry in ClinVar:

ClinVar aggregate classification (germline): Benign/Likely benign. Review status: criteria provided, multiple submitters, no conflicts (2 of 4 stars). 3 submissions from 3 submitters: Benign (1); Likely benign (2). Last evaluated 2026-08-01.

Conditions:
Cardiovascular phenotype. Identifiers: MedGen CN230736.
Distal myopathy with posterior leg and anterior hand involvement. Also called: WILLIAMS DISTAL MYOPATHY. Identifiers: Orphanet 63273, MedGen C3279722, MONDO:0013550, OMIM 614065.
Hypertrophic cardiomyopathy 26. Also called: Cardiomyopathy, familial hypertrophic, 26. Identifiers: Orphanet 75249, MedGen C4310749, MONDO:0014883, OMIM 617047.
Myofibrillar myopathy 5. Also called: Filaminopathy (type); FILAMINOPATHY, AUTOSOMAL DOMINANT. Identifiers: Orphanet 171445, MedGen C1836050, MONDO:0012289, OMIM 609524.

Allele frequency attached by ClinVar (database versions not stated): gnomAD exomes below 0.00001 and 0.00001; gnomAD 0.00002.
gnomAD v4.1: 13 of 1,613,318 alleles (0.00081%); highest among the groups gnomAD compares: African/African-American, 0.0027%; no homozygotes.

Submissions (3):

CeGaT Center for Human Genetics Tuebingen
Classification: Likely benign. Last evaluated: 2026-08-01. Review status: criteria provided, single submitter. Criteria: CeGaT Center For Human Genetics Tuebingen Variant Classification Criteria Version 2. Collection method: clinical testing. Allele origin: germline. Affected: yes. Observed: 1 variant allele.
Comment: FLNC: BP4, BP7

Labcorp Genetics (formerly Invitae), Labcorp
Classification: Benign for Distal myopathy with posterior leg and anterior hand involvement; Myofibrillar myopathy 5; Hypertrophic cardiomyopathy 26. Last evaluated: 2024-10-01. Review status: criteria provided, single submitter. Criteria: Invitae Variant Classification Sherloc (09022015). Collection method: clinical testing. Allele origin: germline.

Ambry Genetics
Classification: Likely benign for Cardiovascular phenotype. Last evaluated: 2021-01-28. Review status: criteria provided, single submitter. Criteria: Ambry Variant Classification Scheme 2023. Collection method: clinical testing. Allele origin: germline.

NM_001458.5(FLNC):c.4707G>A (p.Ala1569=)

Gene: FLNC (filamin C; plus strand). Cytogenetic location: 7q32.1.
Variant type: single nucleotide variant.
Coding change: c.4707G>A on transcript NM_001458.5 (MANE Select); coding-DNA position 4707, G replaced by A.
Protein change: p.Ala1569=; no amino-acid change (alanine 1569 retained).
Molecular consequence: synonymous variant.
Genome position (GRCh38, 1-based): chr7:128,848,687, G>A. VCF-style: chr7-128848687-G-A. GRCh37 (hg19) VCF-style: chr7-128488741-G-A.
Other names: c.4707G>A, p.Ala1569= (NM_001127487.2).
Identifiers: ClinVar variation 472077 (VCV000472077.13), dbSNP rs541323590, ClinGen allele CA166184187.